The following is an entry in ClinVar:

ClinVar aggregate classification (germline): Uncertain significance (1 of 4 stars; one submission).

Conditions:
Inborn genetic diseases. Identifiers: MedGen C0950123, MeSH D030342.

Submission:

Ambry Genetics
Classification: Uncertain significance for Inborn genetic diseases. Last evaluated: 2026-04-12. Review status: criteria provided, single submitter. Criteria: Ambry Variant Classification Scheme 2023. Collection method: clinical testing. Allele origin: germline.
Comment: The p.I36S variant (also known as c.107T>G), located in coding exon 1 of the SAMD9L gene, results from a T to G substitution at nucleotide position 107. The isoleucine at codon 36 is replaced by serine, an amino acid with dissimilar properties. This amino acid position is conserved. In addition, the in silico prediction for this alteration is inconclusive. Based on the available evidence, the clinical significance of this variant remains unclear.

NM_152703.5(SAMD9L):c.107T>G (p.Ile36Ser)

Gene: SAMD9L (sterile alpha motif domain containing 9 like; minus strand). Cytogenetic location: 7q21.2.
Variant type: single nucleotide variant.
Coding change: c.107T>G on transcript NM_152703.5 (MANE Select); coding-DNA position 107, T replaced by G.
Protein change: p.Ile36Ser; replaces isoleucine 36 with serine.
Molecular consequence: missense variant.
Genome position (GRCh38, 1-based): chr7:93,135,865, A>C on the plus strand (T>G on the coding strand, the complement: SAMD9L is on the minus strand). VCF-style: chr7-93135865-A-C. GRCh37 (hg19) VCF-style: chr7-92765178-A-C.
Other names: c.107T>G, p.Ile36Ser (NM_001303496.3, NM_001303497.3, NM_001303498.3 and 5 more transcripts); short protein forms I36S.
Identifiers: ClinVar variation 4863936 (VCV004863936.1).